The following is an entry in ClinVar:

ClinVar aggregate classification (germline): Likely benign (0 of 4 stars; one submission).

Conditions:
MC3R-related disorder. Also called: MC3R-related condition.

Submission:

PreventionGenetics, part of Exact Sciences
Classification: Likely benign for MC3R-related condition. Last evaluated: 2023-06-01. Review status: no assertion criteria provided. Collection method: clinical testing. Allele origin: germline.
Comment: This variant is classified as likely benign based on ACMG/AMP sequence variant interpretation guidelines (Richards et al. 2015 PMID: 25741868, with internal and published modifications).

NM_019888.3(MC3R):c.516C>T (p.Cys172=)

Gene: MC3R (melanocortin 3 receptor; plus strand). Cytogenetic location: 20q13.2.
Variant type: single nucleotide variant.
Coding change: c.516C>T on transcript NM_019888.3 (MANE Select); coding-DNA position 516, C replaced by T.
Protein change: p.Cys172=; no amino-acid change (cysteine 172 retained).
Molecular consequence: synonymous variant.
Genome position (GRCh38, 1-based): chr20:56,249,359, C>T. VCF-style: chr20-56249359-C-T. GRCh37 (hg19) VCF-style: chr20-54824415-C-T.
Identifiers: ClinVar variation 3356045 (VCV003356045.1).